The following is an entry in ClinVar:

ClinVar aggregate classification (germline): Uncertain significance (1 of 4 stars; one submission).

Conditions:
Cardiovascular phenotype. Identifiers: MedGen CN230736.

Submission:

Ambry Genetics
Classification: Uncertain significance for Cardiovascular phenotype. Last evaluated: 2022-11-27. Review status: criteria provided, single submitter. Criteria: Ambry Variant Classification Scheme 2023. Collection method: clinical testing. Allele origin: germline.
Comment: The p.F209Y variant (also known as c.626T>A), located in coding exon 4 of the PRKAG2 gene, results from a T to A substitution at nucleotide position 626. The phenylalanine at codon 209 is replaced by tyrosine, an amino acid with highly similar properties. This amino acid position is conserved. In addition, this alteration is predicted to be tolerated by in silico analysis. Since supporting evidence is limited at this time, the clinical significance of this alteration remains unclear.

NM_016203.4(PRKAG2):c.626T>A (p.Phe209Tyr)

Gene: PRKAG2 (protein kinase AMP-activated non-catalytic subunit gamma 2; minus strand). Cytogenetic location: 7q36.1.
Variant type: single nucleotide variant.
Coding change: c.626T>A on transcript NM_016203.4 (MANE Select); coding-DNA position 626, T replaced by A.
Protein change: p.Phe209Tyr; replaces phenylalanine 209 with tyrosine.
Molecular consequence: missense variant. On other transcripts: intron variant (5).
Genome position (GRCh38, 1-based): chr7:151,675,478, A>T on the plus strand (T>A on the coding strand, the complement: PRKAG2 is on the minus strand). VCF-style: chr7-151675478-A-T. GRCh37 (hg19) VCF-style: chr7-151372564-A-T.
Other names: c.494T>A, p.Phe165Tyr (NM_001040633.2, NM_001407024.1, NM_001407026.1 and 1 more transcripts); c.254T>A, p.Phe85Tyr (NM_001304527.2, NM_001363698.2, NM_001407028.1 and 1 more transcripts); c.626T>A, p.Phe209Tyr (NM_001407021.1, NM_001407022.1, NM_001407023.1); c.308T>A, p.Phe103Tyr (NM_001407032.1); c.467-80027T>A (NM_001407031.1); c.467-80024T>A (NM_001407030.1); c.361-43340T>A (NM_001407033.1); c.94+60422T>A (NM_001407037.1); and 1 more; short protein forms F103Y, F165Y, F209Y, F85Y.
Identifiers: ClinVar variation 2452943 (VCV002452943.2), dbSNP rs2537255660, ClinGen allele CA370187259.
Genomic context (GRCh38, chr7:151,675,478, plus strand): 5'-ACGGCTTTGGAGGGAGCATAGTGTGTCGGTGATGCCAGTGGAGGCCTGGTCGGGCTCTGG[A>T]AGGAAGACGGGCAGAACCTCTGCCCTGTGTCCGGGGGGGAAGACGAGGCATAGATGCGAT-3'
Protein context (NP_057287.2, residues 199-219): DTGQRFCPSS[Phe209Tyr]QSPTRPPLAS